The following is an entry in ClinVar:

NM_000136.3(FANCC):c.1462A>G (p.Arg488Gly)

Genes: AOPEP (aminopeptidase O (putative); plus strand), FANCC (FA complementation group C; minus strand). Cytogenetic location: 9q22.32.
Variant type: single nucleotide variant.
Coding change: c.1462A>G on transcript NM_000136.3 (MANE Select); coding-DNA position 1462, A replaced by G.
Protein change: p.Arg488Gly; replaces arginine 488 with glycine.
Molecular consequence: missense variant.
Genome position (GRCh38, 1-based): chr9:95,107,137, T>C on the plus strand (A>G on the coding strand, the complement: FANCC is on the minus strand). VCF-style: chr9-95107137-T-C. GRCh37 (hg19) VCF-style: chr9-97869419-T-C.
Other names: c.1462A>G, p.Arg488Gly (NM_001243743.2); short protein forms R488G.
Identifiers: ClinVar variation 1773180 (VCV001773180.2), dbSNP rs2134455171, ClinGen allele CA374105798.

ClinVar aggregate classification (germline): Uncertain significance (1 of 4 stars; one submission).

Conditions:
Hereditary cancer-predisposing syndrome. Also called: Hereditary Cancer Syndrome; Hereditary neoplastic syndrome; Neoplastic Syndromes, Hereditary; Tumor predisposition. Identifiers: Orphanet 140162, MedGen C0027672, MeSH D009386, MONDO:0015356.

Allele frequency attached by ClinVar (database versions not stated): gnomAD exomes below 0.00001.
gnomAD v4.1: 2 of 1,614,210 alleles (0.00012%); highest among the groups gnomAD compares: East Asian, 0.0022%; no homozygotes.

Submission:

Ambry Genetics
Classification: Uncertain significance for Hereditary cancer-predisposing syndrome. Last evaluated: 2022-03-19. Review status: criteria provided, single submitter. Criteria: Ambry Variant Classification Scheme 2023. Collection method: clinical testing. Allele origin: germline.
Comment: The p.R488G variant (also known as c.1462A>G), located in coding exon 13 of the FANCC gene, results from an A to G substitution at nucleotide position 1462. The arginine at codon 488 is replaced by glycine, an amino acid with dissimilar properties. This amino acid position is conserved. In addition, this alteration is predicted to be tolerated by in silico analysis. Since supporting evidence is limited at this time, the clinical significance of this alteration remains unclear.